The following is an entry in ClinVar:

ClinVar aggregate classification (germline): Likely benign (1 of 4 stars; one submission).

gnomAD v4.1: 2,176 of 1,611,524 alleles (0.14%); highest among the groups gnomAD compares: Middle Eastern, 1.1%; 4 homozygotes.

Submission:

CeGaT Center for Human Genetics Tuebingen
Classification: Likely benign. Last evaluated: 2026-01-01. Review status: criteria provided, single submitter. Criteria: CeGaT Center For Human Genetics Tuebingen Variant Classification Criteria Version 2. Collection method: clinical testing. Allele origin: germline. Affected: yes. Observed: 1 variant allele.
Comment: FILIP1: BS2

NM_015687.5(FILIP1):c.1328G>A (p.Ser443Asn)

Gene: FILIP1 (filamin A interacting protein 1; minus strand). Cytogenetic location: 6q14.1.
Variant type: single nucleotide variant.
Coding change: c.1328G>A on transcript NM_015687.5 (MANE Select); coding-DNA position 1328, G replaced by A.
Protein change: p.Ser443Asn; replaces serine 443 with asparagine.
Molecular consequence: missense variant.
Genome position (GRCh38, 1-based): chr6:75,314,504, C>T on the plus strand (G>A on the coding strand, the complement: FILIP1 is on the minus strand). VCF-style: chr6-75314504-C-T. GRCh37 (hg19) VCF-style: chr6-76024220-C-T.
Other names: c.1337G>A, p.Ser446Asn (NM_001289987.3); c.1328G>A, p.Ser443Asn (NM_001300866.3); short protein forms S443N, S446N.
Identifiers: ClinVar variation 4820776 (VCV004820776.4).